The following is an entry in ClinVar:

ClinVar aggregate classification (germline): Conflicting classifications of pathogenicity. Review status: criteria provided, conflicting classifications (1 of 4 stars). 7 submissions from 7 submitters: Uncertain significance (6); Likely benign (1). Last evaluated 2026-01-05.

Conditions:
Familial adenomatous polyposis 1 (FAP1). Also called: POLYPOSIS, ADENOMATOUS INTESTINAL; FAMILIAL ADENOMATOUS POLYPOSIS 1, ATTENUATED. Identifiers: MedGen C2713442, MONDO:0021056, OMIM 175100. Disease mechanism: loss of function.
Hereditary cancer-predisposing syndrome. Also called: Hereditary Cancer Syndrome; Neoplastic Syndromes, Hereditary; Tumor predisposition; Hereditary neoplastic syndrome. Identifiers: Orphanet 140162, MedGen C0027672, MeSH D009386, MONDO:0015356.
Classic or attenuated familial adenomatous polyposis. Identifiers: MedGen CN372698, MONDO:0021057.

Allele frequency attached by ClinVar (database versions not stated): gnomAD exomes 0.00002; ESP Exome Variant Server 0.00008.
gnomAD v4.1: 33 of 1,614,118 alleles (0.002%); highest among the groups gnomAD compares: Non-Finnish European, 0.0027%; no homozygotes.

Submissions (7):

Labcorp Genetics (formerly Invitae), Labcorp
Classification: Uncertain significance for Familial adenomatous polyposis 1. Last evaluated: 2026-01-05. Review status: criteria provided, single submitter. Criteria: Invitae Variant Classification Sherloc (09022015). Collection method: clinical testing. Allele origin: germline.
Comment: This sequence change replaces glycine, which is neutral and non-polar, with aspartic acid, which is acidic and polar, at codon 116 of the APC protein (p.Gly116Asp). This variant is not present in population databases (gnomAD no frequency). This variant has not been reported in the literature in individuals affected with APC-related conditions. ClinVar contains an entry for this variant (Variation ID: 490264). Invitae Evidence Modeling of protein sequence and biophysical properties (such as structural, functional, and spatial information, amino acid conservation, physicochemical variation, residue mobility, and thermodynamic stability) indicates that this missense variant is not expected to disrupt APC protein function with a negative predictive value of 95%. In summary, the available evidence is currently insufficient to determine the role of this variant in disease. Therefore, it has been classified as a Variant of Uncertain Significance.

Quest Diagnostics Nichols Institute San Juan Capistrano
Classification: Uncertain significance. Last evaluated: 2025-04-28. Review status: criteria provided, single submitter. Criteria: Quest Diagnostics criteria. Collection method: clinical testing. Allele origin: unknown.
Comment: The APC c.347G>A (p.Gly116Asp) variant has not been reported in individuals with APC-related conditions in the published literature. It also has not been reported in large, multi-ethnic general populations (Genome Aggregation Database). Analysis of this variant using bioinformatics tools for the prediction of the effect of amino acid changes on protein structure and function yielded conflicting predictions that this variant is deleterious or benign. Based on the available information, we are unable to determine the clinical significance of this variant.

Center for Genomic Medicine, Rigshospitalet, Copenhagen University Hospital
Classification: Likely benign. Last evaluated: 2025-03-04. Review status: criteria provided, single submitter. Criteria: ACMG Guidelines, 2015. Collection method: clinical testing. Allele origin: germline.

Ambry Genetics
Classification: Uncertain significance for Hereditary cancer-predisposing syndrome. Last evaluated: 2025-01-08. Review status: criteria provided, single submitter. Criteria: Ambry Variant Classification Scheme 2023. Collection method: clinical testing. Allele origin: germline.
Comment: The p.G116D variant (also known as c.347G>A), located in coding exon 3 of the APC gene, results from a G to A substitution at nucleotide position 347. The glycine at codon 116 is replaced by aspartic acid, an amino acid with similar properties. This amino acid position is highly conserved in available vertebrate species. Missense alterations in APC are not a common cause of disease (Spier I et al. Genet Med. 2024 Feb;26(2):100992). In addition, in silico predictors for this gene do not accurately predict pathogenicity. Since supporting evidence is limited at this time, the clinical significance of this alteration remains unclear.

Molecular Pathology, Peter Maccallum Cancer Centre
Classification: Uncertain significance for Familial adenomatous polyposis 1. Last evaluated: 2024-12-11. Review status: criteria provided, single submitter. Criteria: ACMG Guidelines, 2015. Collection method: clinical testing. Allele origin: germline. Inheritance: Autosomal dominant inheritance.

All of Us Research Program, National Institutes of Health
Classification: Uncertain significance for Classic or attenuated familial adenomatous polyposis. Last evaluated: 2024-08-13. Review status: criteria provided, single submitter. Criteria: ACMG Guidelines, 2015. Collection method: clinical testing. Allele origin: germline. Inheritance: Autosomal dominant inheritance. Observed: 3 variant alleles, 3 heterozygotes.
Comment: This missense variant replaces glycine with aspartic acid at codon 116 of the APC protein. Computational prediction suggests that this variant may not impact protein structure and function (internally defined REVEL score threshold <= 0.5, PMID: 27666373). Splice site prediction tools suggest that this variant may not impact RNA splicing. To our knowledge, functional studies have not been performed for this variant. This variant has not been reported in individuals affected with hereditary cancer in the literature. This variant has not been identified in the general population by the Genome Aggregation Database (gnomAD). The available evidence is insufficient to determine the role of this variant in disease conclusively. Therefore, this variant is classified as a Variant of Uncertain Significance.

This study involves interpretation of variants in research participants for the purpose of population health screening. Participant phenotype was not available at the time of variant classification. Additional details can be found in publication PMID: 35346344, PMCID: PMC8962531

Color Diagnostics, LLC DBA Color Health
Classification: Uncertain significance for Hereditary cancer-predisposing syndrome. Last evaluated: 2024-07-24. Review status: criteria provided, single submitter. Criteria: ACMG Guidelines, 2015. Collection method: clinical testing. Allele origin: germline.
Comment: This missense variant replaces glycine with aspartic acid at codon 116 of the APC protein. Computational prediction suggests that this variant may not impact protein structure and function (internally defined REVEL score threshold <= 0.5, PMID: 27666373). To our knowledge, functional studies have not been reported for this variant. This variant has not been reported in individuals affected with APC-related disorders in the literature. This variant has not been identified in the general population by the Genome Aggregation Database (gnomAD). The available evidence is insufficient to determine the role of this variant in disease conclusively. Therefore, this variant is classified as a Variant of Uncertain Significance.

NM_000038.6(APC):c.347G>A (p.Gly116Asp)

Gene: APC (APC regulator of Wnt signaling pathway; plus strand). Cytogenetic location: 5q22.2.
Variant type: single nucleotide variant.
Coding change: c.347G>A on transcript NM_000038.6 (MANE Select); coding-DNA position 347, G replaced by A.
Protein change: p.Gly116Asp; replaces glycine 116 with aspartic acid.
Molecular consequence: missense variant. On other transcripts: 5 prime UTR variant (1).
Genome position (GRCh38, 1-based): chr5:112,767,315, G>A. VCF-style: chr5-112767315-G-A. GRCh37 (hg19) VCF-style: chr5-112103012-G-A.
Other names: c.347G>A, p.Gly116Asp (NM_001127510.3, NM_001354895.2, NM_001354896.2 and 2 more transcripts); c.377G>A, p.Gly126Asp (NM_001127511.3, NM_001354897.2, NM_001354902.2); c.272G>A, p.Gly91Asp (NM_001354898.2, NM_001354904.2); c.170G>A, p.Gly57Asp (NM_001354900.2, NM_001354901.2, NM_001354905.2); c.-689G>A (NM_001354906.2); short protein forms G116D, G126D, G91D, G57D.
Identifiers: ClinVar variation 490264 (VCV000490264.25), dbSNP rs369999291, ClinGen allele CA16022080.
Genomic context (GRCh38, chr5:112,767,315, plus strand): 5'-ATGGAAGCCGGGAAGGATCTGTATCAAGCCGTTCTGGAGAGTGCAGTCCTGTTCCTATGG[G>A]TTCATTTCCAAGAAGAGGGTTTGTAAATGGAAGCAGAGAAAGTACTGGATATTTAGAAGA-3'
Protein context (NP_000029.2, residues 106-126): RSGECSPVPM[Gly116Asp]SFPRRGFVNG